The following is an entry in ClinVar:

NM_000075.4(CDK4):c.198del (p.Phe66fs)

Genes: CDK4 (cyclin dependent kinase 4; minus strand), LOC130008148 (ATAC-STARR-seq lymphoblastoid silent region 4588; plus strand). Cytogenetic location: 12q14.1.
Variant type: Deletion.
Coding change: c.198del on transcript NM_000075.4 (MANE Select); coding-DNA position 198, one base deleted (T; older notation c.198delT).
Protein change: p.Phe66fs; shifts the reading frame from phenylalanine 66.
Molecular consequence: frameshift variant.
Genome position (GRCh38, 1-based): chr12:57,751,520, A deleted on the plus strand (T on the coding strand, the reverse complement: CDK4 is on the minus strand); the first of 4 consecutive A bases (chr12:57,751,520-57,751,523); deleting any one gives the same sequence. VCF-style (leftmost placement, unchanged base first): chr12-57751519-CA-C. GRCh37 (hg19) VCF-style: chr12-58145302-CA-C.
Other names: short protein forms F66fs.
Identifiers: ClinVar variation 820468 (VCV000820468.4), dbSNP rs1595110961, ClinGen allele CA915948429.

ClinVar aggregate classification (germline): Uncertain significance (1 of 4 stars; one submission).

Conditions:
Hereditary cancer-predisposing syndrome. Also called: Neoplastic Syndromes, Hereditary; Tumor predisposition; Hereditary Cancer Syndrome; Hereditary neoplastic syndrome. Identifiers: Orphanet 140162, MedGen C0027672, MeSH D009386, MONDO:0015356.

Submission:

Ambry Genetics
Classification: Uncertain significance for Hereditary cancer-predisposing syndrome. Last evaluated: 2018-05-17. Review status: criteria provided, single submitter. Criteria: Ambry Variant Classification Scheme 2023. Collection method: clinical testing. Allele origin: germline.
Comment: The c.198delT variant, located in coding exon 1 of the CDK4 gene, results from a deletion of one nucleotide at nucleotide position 198, causing a translational frameshift with a predicted alternate stop codon (p.F66Lfs*9). This alteration is expected to result in loss of function by premature protein truncation or nonsense-mediated mRNA decay. However, loss of function via haploinsufficiency of CDK4 has not been clearly established as a mechanism of disease. Since supporting evidence is limited at this time, the clinical significance of this alteration remains unclear.